The following is an entry in ClinVar:

ClinVar aggregate classification (germline): Uncertain significance (1 of 4 stars; one submission).

Conditions:
Inborn genetic diseases. Identifiers: MedGen C0950123, MeSH D030342.

Submission:

Ambry Genetics
Classification: Uncertain significance for Inborn genetic diseases. Last evaluated: 2023-09-28. Review status: criteria provided, single submitter. Criteria: Ambry Variant Classification Scheme 2023. Collection method: clinical testing. Allele origin: germline.
Comment: The p.N145S variant (also known as c.434A>G), located in coding exon 5 of the MDH2 gene, results from an A to G substitution at nucleotide position 434. The asparagine at codon 145 is replaced by serine, an amino acid with highly similar properties. This amino acid position is conserved. In addition, the in silico prediction for this alteration is inconclusive. Since supporting evidence is limited at this time, the clinical significance of this alteration remains unclear.

NM_005918.4(MDH2):c.434A>G (p.Asn145Ser)

Gene: MDH2 (malate dehydrogenase 2; plus strand). Cytogenetic location: 7q11.23.
Variant type: single nucleotide variant.
Coding change: c.434A>G on transcript NM_005918.4 (MANE Select); coding-DNA position 434, A replaced by G.
Protein change: p.Asn145Ser; replaces asparagine 145 with serine.
Molecular consequence: missense variant. On other transcripts: intron variant (1).
Genome position (GRCh38, 1-based): chr7:76,060,377, A>G. VCF-style: chr7-76060377-A-G. GRCh37 (hg19) VCF-style: chr7-75689695-A-G.
Other names: c.113A>G, p.Asn38Ser (NM_001282404.2); c.429+2299A>G (NM_001282403.2); short protein forms N145S, N38S.
Identifiers: ClinVar variation 3225192 (VCV003225192.1), dbSNP rs2535863694, ClinGen allele CA367764719.